The following is an entry in ClinVar:

NM_003742.4(ABCB11):c.1243C>T (p.Arg415Ter)

Gene: ABCB11 (ATP binding cassette subfamily B member 11; minus strand). Cytogenetic location: 2q31.1.
Variant type: single nucleotide variant.
Coding change: c.1243C>T on transcript NM_003742.4 (MANE Select); coding-DNA position 1243, C replaced by T.
Protein change: p.Arg415Ter; replaces arginine 415 with a stop codon.
Molecular consequence: nonsense.
Genome position (GRCh38, 1-based): chr2:168,976,642, G>A on the plus strand (C>T on the coding strand, the complement: ABCB11 is on the minus strand). VCF-style: chr2-168976642-G-A. GRCh37 (hg19) VCF-style: chr2-169833152-G-A.
Other names: c.1243C>T (NM_003742.2); short protein forms R415*.
Identifiers: ClinVar variation 1446319 (VCV001446319.13), dbSNP rs913644236, ClinGen allele CA349119131.

ClinVar aggregate classification (germline): Pathogenic/Likely pathogenic. Review status: criteria provided, multiple submitters, no conflicts (2 of 4 stars). 6 submissions from 6 submitters: Pathogenic (5); Likely pathogenic (1). Last evaluated 2026-09-10.

Conditions:
Familial intrahepatic cholestasis. Identifiers: Orphanet 284385, MedGen CN296401, MONDO:0017290.
Benign recurrent intrahepatic cholestasis type 2 (BRIC2). Also called: Recurrent familial intrahepatic cholestasis 2. Identifiers: Orphanet 65682, Orphanet 99961, MedGen C2608083, MONDO:0011559, OMIM 605479.
ABCB11-related disorder. Also called: ABCB11-related condition.
Progressive familial intrahepatic cholestasis type 2. Identifiers: Orphanet 79304, MedGen C3489789, MONDO:0011156, OMIM 601847.

Submissions (6):

PreventionGenetics, part of Exact Sciences
Classification: Likely pathogenic for ABCB11-related condition. Last evaluated: 2026-09-10. Review status: criteria provided, single submitter. Criteria: ACMG Guidelines, 2015. Collection method: clinical testing. Allele origin: germline.
Comment: The ABCB11 c.1243C>T variant is predicted to result in premature protein termination (p.Arg415*). This variant has been reported in the homozygous and compound heterozygous state in multiple unrelated individuals with progressive familial intrahepatic cholestasis (Liu et al. 2009. PubMed ID: 19845854; Stalke et al. 2017. PubMed ID: 28776642; Li et al. 2020. PubMed ID: 32808743; Davit-Spraul et al. 2010. PubMed ID: 20232290; Table S1, Liu et al. 2020. PubMed ID: 32309332). This variant has not been reported in a large population database (gnomAD), and is interpreted as pathogenic in the ClinVar database (Variation ID: 1446319). Nonsense variants in ABCB11 are expected to be pathogenic. This variant is interpreted as likely pathogenic.

Genomenon, Inc
Classification: Pathogenic for Familial intrahepatic cholestasis. Last evaluated: 2026-04-14. Review status: criteria provided, single submitter. Criteria: Genomenon Sequence Variant Interpretation Standards - Updated. Collection method: curation. Allele origin: germline. Affected: yes.
Comment: ABCB11 p.Arg415Ter (c.1243C>T) is a nonsense variant that introduces a premature stop codon at amino acid position 415, creating a truncated protein that is predicted to undergo nonsense-mediated mRNA decay. This variant has been observed in at least one proband with an ABCB11-related disorder (PMID:41165782;35626323;28776642;28733223;28027573;19845854;20232290). It is absent or not present at a significant frequency in gnomAD. In conclusion, we classify ABCB11 p.Arg415Ter (c.1243C>T) as a pathogenic variant.

3billion
Classification: Pathogenic for Progressive familial intrahepatic cholestasis type 2. Last evaluated: 2025-02-14. Review status: criteria provided, single submitter. Criteria: ACMG Guidelines, 2015. Collection method: clinical testing. Allele origin: germline. Affected: yes.
Comment: The variant is observed at an extremely low frequency in the gnomAD v4.1.0 dataset (total allele frequency: <0.001%). Predicted Consequence/Location: Stop-gained (nonsense): predicted to result in a loss or disruption of normal protein function through nonsense-mediated decay (NMD) or protein truncation. Multiple pathogenic variants are reported downstream of the variant. The variant has been reported at least twice as pathogenic without evidence for the classification (ClinVar ID: VCV001446319 /PMID: 19845854). Therefore, this variant is classified as Pathogenic according to the recommendation of ACMG/AMP guideline.

Labcorp Genetics (formerly Invitae), Labcorp
Classification: Pathogenic. Last evaluated: 2023-06-09. Review status: criteria provided, single submitter. Criteria: Invitae Variant Classification Sherloc (09022015). Collection method: clinical testing. Allele origin: germline.
Comment: For these reasons, this variant has been classified as Pathogenic. ClinVar contains an entry for this variant (Variation ID: 1446319). This premature translational stop signal has been observed in individual(s) with cholestasis (PMID: 19845854). This variant is not present in population databases (gnomAD no frequency). This sequence change creates a premature translational stop signal (p.Arg415*) in the ABCB11 gene. It is expected to result in an absent or disrupted protein product. Loss-of-function variants in ABCB11 are known to be pathogenic (PMID: 18395098, 20232290).

Baylor Genetics
Classification: Pathogenic for Benign recurrent intrahepatic cholestasis type 2. Last evaluated: 2023-04-24. Review status: criteria provided, single submitter. Criteria: ACMG Guidelines, 2015. Collection method: clinical testing. Allele origin: unknown.

Victorian Clinical Genetics Services, Murdoch Childrens Research Institute
Classification: Pathogenic for Progressive familial intrahepatic cholestasis type 2. Last evaluated: 2020-06-11. Review status: criteria provided, single submitter. Criteria: ACMG Guidelines, 2015. Collection method: clinical testing. Allele origin: germline. Affected: yes.
Comment: Based on the classification scheme VCGS_Germline_v1.1.1, this variant is classified as Pathogenic. Following criteria are met: 0102 - Loss-of-function is a known mechanism of disease for this gene. (N) 0106 - This gene is known to be associated with autosomal recessive disease. (N) 0201 - Variant is predicted to cause nonsense-mediated decay (NMD) and loss of protein (exon 12 of 28). (P) 0252 - Variant is homozygous. (N) 0301 - Variant is absent from gnomAD. (P) 0701 - Comparable variants have very strong previous evidence for pathogenicity. Other variants predicted to cause NMD have been reported as pathogenic (ClinVar, Decipher). (P) 0803 - Low previous evidence of pathogenicity in unrelated individuals. This variant has been previously reported in homozygous or compound heterozygous state in patients with progressive familial intrahepatic cholestasis 2 (PMID: 28776642, PMID: 32309332). (P) 1208 - Inheritance information for this variant is not currently available. (N) Legend: (P) - Pathogenic, (N) - Neutral, (B) - Benign

Literature cited by the submitters: PubMed 41165782 (cited by Genomenon, Inc); PubMed 35626323 (cited by Genomenon, Inc); PubMed 28776642 (cited by Genomenon, Inc and Victorian Clinical Genetics Services, Murdoch Childrens Research Institute); PubMed 28733223 (cited by Genomenon, Inc); PubMed 28027573 (cited by Genomenon, Inc); PubMed 19845854 (cited by 3 submitters); PubMed 20232290 (cited by Genomenon, Inc and Labcorp Genetics (formerly Invitae), Labcorp); PubMed 18395098 (cited by Labcorp Genetics (formerly Invitae), Labcorp); PubMed 32309332 (cited by Victorian Clinical Genetics Services, Murdoch Childrens Research Institute).